The following is an entry in ClinVar:

ClinVar aggregate classification (germline): Uncertain significance (1 of 4 stars; one submission).

Allele frequency attached by ClinVar (database versions not stated): TOPMed 0.00002; gnomAD 0.00001; gnomAD exomes 0.00001.
gnomAD v4.1: 9 of 1,599,636 alleles (0.00056%); highest among the groups gnomAD compares: Non-Finnish European, 0.00077%; no homozygotes.

Submission:

Labcorp Genetics (formerly Invitae), Labcorp
Classification: Uncertain significance. Last evaluated: 2023-11-01. Review status: criteria provided, single submitter. Criteria: Invitae Variant Classification Sherloc (09022015). Collection method: clinical testing. Allele origin: germline.
Comment: This sequence change falls in intron 20 of the XPO5 gene. It does not directly change the encoded amino acid sequence of the XPO5 protein. It affects a nucleotide within the consensus splice site. This variant is not present in population databases (gnomAD no frequency). This variant has not been reported in the literature in individuals affected with XPO5-related conditions. Variants that disrupt the consensus splice site are a relatively common cause of aberrant splicing (PMID: 17576681, 9536098). Algorithms developed to predict the effect of sequence changes on RNA splicing suggest that this variant is not likely to affect RNA splicing. In summary, the available evidence is currently insufficient to determine the role of this variant in disease. Therefore, it has been classified as a Variant of Uncertain Significance.

Literature cited by the submitters: PubMed 17576681; PubMed 9536098.

NM_020750.3(XPO5):c.2342+6T>G

Genes: POLR1C (RNA polymerase I and III subunit C; plus strand), XPO5 (exportin 5; minus strand). Cytogenetic location: 6p21.1.
Variant type: single nucleotide variant.
Coding change: c.2342+6T>G on transcript NM_020750.3 (MANE Select); 6 bases into the intron after coding-DNA position 2342, T replaced by G.
Molecular consequence: intron variant.
Genome position (GRCh38, 1-based): chr6:43,546,565, A>C on the plus strand (T>G on the coding strand, the complement: XPO5 is on the minus strand). VCF-style: chr6-43546565-A-C. GRCh37 (hg19) VCF-style: chr6-43514302-A-C.
Other names: c.923-4403A>C (NM_001363658.2).
Identifiers: ClinVar variation 2813127 (VCV002813127.3), dbSNP rs1332706143, ClinGen allele CA566804245.
Genomic context (GRCh38, chr6:43,546,565, plus strand): 5'-ACTAAACTTTTGAAATTTTTAAGGTAAAGTAGAAAACAACAGAGAAAAGCCATTATTCTG[A>C]CTCACCTTATAAGCGCAAGCAAATTGTCAAGAAGTTTCAGAATCTGCTCTGTGCAGGGGT-3'